The following is an entry in ClinVar:

NM_015488.5(PNKD):c.481G>A (p.Glu161Lys)

Genes: CATIP-AS2 (CATIP antisense RNA 2; minus strand), PNKD (PNKD metallo-beta-lactamase domain containing; plus strand). Cytogenetic location: 2q35.
Variant type: single nucleotide variant.
Coding change: c.481G>A on transcript NM_015488.5 (MANE Select); coding-DNA position 481, G replaced by A.
Protein change: p.Glu161Lys; replaces glutamic acid 161 with lysine.
Molecular consequence: missense variant.
Genome position (GRCh38, 1-based): chr2:218,340,743, G>A. VCF-style: chr2-218340743-G-A. GRCh37 (hg19) VCF-style: chr2-219205466-G-A.
Other names: c.409G>A, p.Glu137Lys (NM_022572.5); short protein forms E137K, E161K.
Identifiers: ClinVar variation 2836178 (VCV002836178.3), dbSNP rs577726061, ClinGen allele CA65759207.

ClinVar aggregate classification (germline): Uncertain significance (1 of 4 stars; one submission).

Conditions:
Paroxysmal nonkinesigenic dyskinesia. Also called: Paroxysmal non-kinesigenic dyskinesia. Identifiers: Orphanet 98810, MedGen C1869117, MONDO:0700088.

Allele frequency attached by ClinVar (database versions not stated): TOPMed below 0.00001.

Submission:

Labcorp Genetics (formerly Invitae), Labcorp
Classification: Uncertain significance for Paroxysmal nonkinesigenic dyskinesia. Last evaluated: 2023-03-08. Review status: criteria provided, single submitter. Criteria: Invitae Variant Classification Sherloc (09022015). Collection method: clinical testing. Allele origin: germline.
Comment: This sequence change replaces glutamic acid, which is acidic and polar, with lysine, which is basic and polar, at codon 161 of the PNKD protein (p.Glu161Lys). This variant is not present in population databases (gnomAD no frequency). This variant has not been reported in the literature in individuals affected with PNKD-related conditions. Advanced modeling of protein sequence and biophysical properties (such as structural, functional, and spatial information, amino acid conservation, physicochemical variation, residue mobility, and thermodynamic stability) performed at Invitae indicates that this missense variant is not expected to disrupt PNKD protein function. In summary, the available evidence is currently insufficient to determine the role of this variant in disease. Therefore, it has been classified as a Variant of Uncertain Significance.